The following is an entry in ClinVar:

ClinVar aggregate classification (germline): Uncertain significance (1 of 4 stars; one submission).

Conditions:
Inborn genetic diseases. Identifiers: MedGen C0950123, MeSH D030342.

gnomAD v4.1: 27 of 1,613,468 alleles (0.0017%); highest among the groups gnomAD compares: Non-Finnish European, 0.0019%; no homozygotes.

Submission:

Ambry Genetics
Classification: Uncertain significance for Inborn genetic diseases. Last evaluated: 2025-09-22. Review status: criteria provided, single submitter. Criteria: Ambry Variant Classification Scheme 2023. Collection method: clinical testing. Allele origin: germline.
Comment: The c.1226C>T (p.A409V) alteration is located in exon 13 (coding exon 12) of the CDH23 gene. This alteration results from a C to T substitution at nucleotide position 1226, causing the alanine (A) at amino acid position 409 to be replaced by a valine (V). Based on data from gnomAD, the T allele has an overall frequency of <0.001% (1/248684) total alleles studied. The highest observed frequency was 0.001% (1/112796) of European (non-Finnish) alleles. Based on insufficient or conflicting evidence, the clinical significance of this alteration remains unclear.

NM_022124.6(CDH23):c.1226C>T (p.Ala409Val)

Gene: CDH23 (cadherin related 23; plus strand). Cytogenetic location: 10q22.1.
Variant type: single nucleotide variant.
Coding change: c.1226C>T on transcript NM_022124.6 (MANE Select); coding-DNA position 1226, C replaced by T.
Protein change: p.Ala409Val; replaces alanine 409 with valine.
Molecular consequence: missense variant.
Genome position (GRCh38, 1-based): chr10:71,645,916, C>T. VCF-style: chr10-71645916-C-T. GRCh37 (hg19) VCF-style: chr10-73405673-C-T.
Other names: c.1226C>T, p.Ala409Val (NM_052836.4, NM_001171930.2, NM_001171931.2); short protein forms A409V.
Identifiers: ClinVar variation 4609335 (VCV004609335.1).
Genomic context (GRCh38, chr10:71,645,916, plus strand): 5'-ACTTGGTGGGGAACAACTCCCACCACTTCATCATCTCCCCGACCTCCGTCCAGGGGAAGG[C>T]GGACATTCGTATTCGGGTGGCCATCCCACTGGACTACGAGACCGTGGACCGCTACGACTT-3'
Protein context (NP_071407.4, residues 399-419): IISPTSVQGK[Ala409Val]DIRIRVAIPL